The following is an entry in ClinVar:

NM_000891.3(KCNJ2):c.1118C>A (p.Ser373Ter)

Gene: KCNJ2 (potassium inwardly rectifying channel subfamily J member 2; plus strand). Cytogenetic location: 17q24.3.
Variant type: single nucleotide variant.
Coding change: c.1118C>A on transcript NM_000891.3 (MANE Select); coding-DNA position 1118, C replaced by A.
Protein change: p.Ser373Ter; replaces serine 373 with a stop codon.
Molecular consequence: nonsense.
Genome position (GRCh38, 1-based): chr17:70,176,157, C>A. VCF-style: chr17-70176157-C-A. GRCh37 (hg19) VCF-style: chr17-68172298-C-A.
Other names: short protein forms S373*.
Identifiers: ClinVar variation 4783333 (VCV004783333.1).

ClinVar aggregate classification (germline): Uncertain significance (1 of 4 stars; one submission).

Conditions:
Short QT syndrome type 3. Identifiers: Orphanet 51083, MedGen C1865018, MONDO:0012314, OMIM 609622.
Andersen Tawil syndrome (LQT7). Also called: Potassium-sensitive periodic paralysis, ventricular ectopy, and dysmorphic features; ANDERSEN CARDIODYSRHYTHMIC PERIODIC PARALYSIS; LONG QT SYNDROME 7; PERIODIC PARALYSIS, POTASSIUM-SENSITIVE CARDIODYSRHYTHMIC TYPE; Andersen Syndrome. Identifiers: Orphanet 37553, MedGen C1563715, MONDO:0008222, OMIM 170390.

Submission:

Labcorp Genetics (formerly Invitae), Labcorp
Classification: Uncertain significance for Short QT syndrome type 3; Andersen Tawil syndrome. Last evaluated: 2025-11-01. Review status: criteria provided, single submitter. Criteria: Invitae Variant Classification Sherloc (09022015). Collection method: clinical testing. Allele origin: germline.
Comment: This sequence change creates a premature translational stop signal (p.Ser373*) in the KCNJ2 gene. While this is not anticipated to result in nonsense mediated decay, it is expected to disrupt the last 55 amino acid(s) of the KCNJ2 protein. This variant is not present in population databases (gnomAD no frequency). This variant has not been reported in the literature in individuals affected with KCNJ2-related conditions. Experimental studies and prediction algorithms are not available or were not evaluated, and the functional significance of this variant is currently unknown. In summary, the available evidence is currently insufficient to determine the role of this variant in disease. Therefore, it has been classified as a Variant of Uncertain Significance.